The following is an entry in ClinVar:

NM_001807.6(CEL):c.1594C>T (p.Arg532Trp)

Gene: CEL (carboxyl ester lipase; plus strand). Cytogenetic location: 9q34.13.
Variant type: single nucleotide variant.
Coding change: c.1594C>T on transcript NM_001807.6 (MANE Select); coding-DNA position 1594, C replaced by T.
Protein change: p.Arg532Trp; replaces arginine 532 with tryptophan.
Molecular consequence: missense variant.
Genome position (GRCh38, 1-based): chr9:133,071,096, C>T. VCF-style: chr9-133071096-C-T. GRCh37 (hg19) VCF-style: chr9-135946483-C-T.
Other names: short protein forms R532W.
Identifiers: ClinVar variation 2659668 (VCV002659668.25), dbSNP rs200231984, ClinGen allele CA5303446.

ClinVar aggregate classification (germline): Benign/Likely benign. Review status: criteria provided, multiple submitters, no conflicts (2 of 4 stars). 2 submissions from 2 submitters: Benign (1); Likely benign (1). Last evaluated 2025-08-01.

Allele frequency attached by ClinVar (database versions not stated): ExAC 0.00071; gnomAD 0.00077; TOPMed 0.00077; ESP Exome Variant Server 0.00091; gnomAD exomes 0.00150.
gnomAD v4.1: 2,255 of 1,611,122 alleles (0.14%); highest among the groups gnomAD compares: Non-Finnish European, 0.18%; 4 homozygotes.

Submissions (2):

CeGaT Center for Human Genetics Tuebingen
Classification: Benign. Last evaluated: 2025-08-01. Review status: criteria provided, single submitter. Criteria: CeGaT Center For Human Genetics Tuebingen Variant Classification Criteria Version 2. Collection method: clinical testing. Allele origin: germline. Affected: yes. Observed: 2 variant alleles.
Comment: CEL: BS1, BS2

Blueprint Genetics
Classification: Likely benign. Last evaluated: 2024-10-25. Review status: criteria provided, single submitter. Criteria: ACMG Guidelines, 2015. Collection method: clinical testing. Allele origin: germline.